The following is an entry in ClinVar:

ClinVar aggregate classification (germline): Uncertain significance (1 of 4 stars; one submission).

Conditions:
Severe combined immunodeficiency due to IKK2 deficiency. Also called: Immunodeficiency 15; IMMUNODEFICIENCY 15B. Identifiers: Orphanet 397787, MedGen C4747743, MONDO:0014267, OMIM 615592.

Allele frequency attached by ClinVar (database versions not stated): gnomAD exomes 0.00001.
gnomAD v4.1: 18 of 1,602,532 alleles (0.0011%); highest among the groups gnomAD compares: Middle Eastern, 0.017%; no homozygotes.

Submission:

Labcorp Genetics (formerly Invitae), Labcorp
Classification: Uncertain significance for Severe combined immunodeficiency due to IKK2 deficiency. Last evaluated: 2024-10-14. Review status: criteria provided, single submitter. Criteria: Invitae Variant Classification Sherloc (09022015). Collection method: clinical testing. Allele origin: germline.
Comment: This sequence change replaces arginine, which is basic and polar, with glutamine, which is neutral and polar, at codon 554 of the IKBKB protein (p.Arg554Gln). The frequency data for this variant in the population databases is considered unreliable, as metrics indicate poor data quality at this position in the gnomAD database. This variant has not been reported in the literature in individuals affected with IKBKB-related conditions. ClinVar contains an entry for this variant (Variation ID: 1430024). Invitae Evidence Modeling of protein sequence and biophysical properties (such as structural, functional, and spatial information, amino acid conservation, physicochemical variation, residue mobility, and thermodynamic stability) indicates that this missense variant is not expected to disrupt IKBKB protein function with a negative predictive value of 95%. In summary, the available evidence is currently insufficient to determine the role of this variant in disease. Therefore, it has been classified as a Variant of Uncertain Significance.

NM_001556.3(IKBKB):c.1661G>A (p.Arg554Gln)

Gene: IKBKB (inhibitor of nuclear factor kappa B kinase subunit beta; plus strand). Cytogenetic location: 8p11.21.
Variant type: single nucleotide variant.
Coding change: c.1661G>A on transcript NM_001556.3 (MANE Select); coding-DNA position 1661, G replaced by A.
Protein change: p.Arg554Gln; replaces arginine 554 with glutamine.
Molecular consequence: missense variant. On other transcripts: non-coding transcript variant (3).
Genome position (GRCh38, 1-based): chr8:42,320,817, G>A. VCF-style: chr8-42320817-G-A. GRCh37 (hg19) VCF-style: chr8-42178335-G-A.
Other names: c.1469G>A, p.Arg490Gln (NM_001190720.3); c.1484G>A, p.Arg495Gln (NM_001242778.2); short protein forms R490Q, R495Q, R554Q.
Identifiers: ClinVar variation 1430024 (VCV001430024.5), dbSNP rs751295594, ClinGen allele CA175972637.